The following is an entry in ClinVar:

NM_002528.7(NTHL1):c.452_462del (p.Leu151fs)

Gene: NTHL1 (nth like DNA glycosylase 1; minus strand). Cytogenetic location: 16p13.3.
Variant type: Deletion.
Coding change: c.452_462del on transcript NM_002528.7 (MANE Select); coding-DNA positions 452 to 462, 11 bases deleted (TGACGGTGGAC).
Protein change: p.Leu151fs; shifts the reading frame from leucine 151.
Molecular consequence: frameshift variant. On other transcripts: intron variant (1).
Genome position (GRCh38, 1-based): chr16:2,044,693-2,044,703, GTCCACCGTCA deleted on the plus strand (TGACGGTGGAC on the coding strand, the reverse complement: NTHL1 is on the minus strand); deleting any 11 consecutive bases within chr16:2,044,693-2,044,704 gives the same sequence; the c. name uses the placement nearest the transcript's 3' end. VCF-style (leftmost placement, unchanged base first): chr16-2044692-TGTCCACCGTCA-T. GRCh37 (hg19) VCF-style: chr16-2094693-TGTCCACCGTCA-T.
Other names: c.122_132del, p.Leu41fs (NM_001318194.2); c.355-977_355-967del (NM_001318193.2); short protein forms L151fs, L41fs.
Identifiers: ClinVar variation 2673814 (VCV002673814.1), dbSNP rs2548316235, ClinGen allele CA2695197424.
Genomic context (GRCh38, chr16:2,044,692, plus strand): 5'-TCCAGAAACCGACGGGGTAGATGAGCTTGCCCAGCGTGGCATCATCTGTCTGCAGGATGC[TGTCCACCGTCA>T]GGCCCCGCGCCCGCAGTCGCTGCATGGCGCCCGCCGTCACCTGGTCTTTGGTTTGGCTGG-3'

ClinVar aggregate classification (germline): Pathogenic (1 of 4 stars; one submission).

Conditions:
Familial adenomatous polyposis 3. Also called: NTHL1-Related Adenomatous Polyposis and Colorectal Cancer; NTHL1 Tumor Syndrome; NTHL1-related attenuated familial adenomatous polyposis; NTHL1-associated polyposis. Identifiers: Orphanet 220460, Orphanet 454840, MedGen C4225157, MONDO:0014630, OMIM 616415.

Submission:

Myriad Genetics, Inc.
Classification: Pathogenic for Familial adenomatous polyposis 3. Last evaluated: 2023-09-05. Review status: criteria provided, single submitter. Criteria: Myriad Autosomal Dominant, Autosomal Recessive and X-Linked Classification Criteria (2023). Collection method: clinical testing. Allele origin: unknown.
Comment: This variant is considered pathogenic. This variant creates a frameshift predicted to result in premature protein truncation.